The following is an entry in ClinVar:

NM_001122764.3(PPOX):c.1315_1316delinsAT (p.Ala439Ile)

Gene: PPOX (protoporphyrinogen oxidase; plus strand). Cytogenetic location: 1q23.3.
Variant type: Indel.
Coding change: c.1315_1316delinsAT on transcript NM_001122764.3 (MANE Select); coding-DNA positions 1315 to 1316, GC replaced by AT.
Protein change: p.Ala439Ile; replaces alanine 439 with isoleucine.
Molecular consequence: missense variant.
Genome position (GRCh38, 1-based): chr1:161,171,057-161,171,058, GC replaced by AT. VCF-style: chr1-161171057-GC-AT. GRCh37 (hg19) VCF-style: chr1-161140847-GC-AT.
Other names: c.829_830delinsAT, p.Ala277Ile (NM_001365401.1, NM_001350130.2, NM_001350131.2); c.1315_1316delinsAT, p.Ala439Ile (NM_000309.5, NM_001365398.1); c.1216_1217delinsAT, p.Ala406Ile (NM_001350128.2); c.907_908delinsAT, p.Ala303Ile (NM_001350129.2, NM_001365400.1); c.1204_1205delinsAT, p.Ala402Ile (NM_001365399.1); short protein forms A277I, A303I, A402I, A406I, A439I.
Identifiers: ClinVar variation 3614219 (VCV003614219.2).
Genomic context (GRCh38, chr1:161,171,057, plus strand): 5'-CCCCAGCTAAAACATTCCTTTCATCCTTTCCTTCCAGAGTCAGCTAGGCAATTCCTGACT[GC>AT]TCACAGGTTGCCCCTGACTCTGGCTGGAGCCTCCTATGAGGGAGTTGCTGTTAATGACTG-3'
Protein context (NP_001116236.1, residues 429-449): KLESARQFLT[Ala439Ile]HRLPLTLAGA

ClinVar aggregate classification (germline): Uncertain significance (1 of 4 stars; one submission).

Submission:

Labcorp Genetics (formerly Invitae), Labcorp
Classification: Uncertain significance. Last evaluated: 2024-07-10. Review status: criteria provided, single submitter. Criteria: Invitae Variant Classification Sherloc (09022015). Collection method: clinical testing. Allele origin: germline.
Comment: This sequence change replaces alanine, which is neutral and non-polar, with isoleucine, which is neutral and non-polar, at codon 439 of the PPOX protein (p.Ala439Ile). Information on the frequency of this variant in the gnomAD database is not available, as this variant may be reported differently in the database. This variant has not been reported in the literature in individuals affected with PPOX-related conditions. An algorithm developed to predict the effect of missense changes on protein structure and function (PolyPhen-2) suggests that this variant is likely to be tolerated. In summary, the available evidence is currently insufficient to determine the role of this variant in disease. Therefore, it has been classified as a Variant of Uncertain Significance.